The following is an entry in ClinVar:

ClinVar aggregate classification (germline): Conflicting classifications of pathogenicity. Review status: criteria provided, conflicting classifications (1 of 4 stars). 5 submissions from 5 submitters: Uncertain significance (1); Benign (1); Likely benign (1). 2 of the submissions do not count toward it. Last evaluated 2026-01-18.

Conditions:
Usher syndrome type 1B (USH1B). Also called: Usher syndrome type IB. Identifiers: MedGen C1848638, MONDO:0700087.
MYO7A-related disorder. Also called: MYO7A-related disorders.

Allele frequency attached by ClinVar (database versions not stated): gnomAD exomes 0.00007 and 0.00033; ESP Exome Variant Server 0.00008; TOPMed 0.00019; gnomAD 0.00021 and 0.00024; ExAC 0.00032; 1000 Genomes Project 30x 0.00047; 1000 Genomes Project 0.00060.
gnomAD v4.1: 154 of 1,613,856 alleles (0.0095%); highest among the groups gnomAD compares: East Asian, 0.2%; 1 homozygote.

Submissions (5):

Labcorp Genetics (formerly Invitae), Labcorp
Classification: Benign. Last evaluated: 2026-01-18. Review status: criteria provided, single submitter. Criteria: Invitae Variant Classification Sherloc (09022015). Collection method: clinical testing. Allele origin: germline.

Blueprint Genetics
Classification: Likely benign. Last evaluated: 2024-07-05. Review status: criteria provided, single submitter. Criteria: ACMG Guidelines, 2015. Collection method: clinical testing. Allele origin: germline.

GeneDx
Classification: Uncertain significance. Last evaluated: 2020-07-09. Review status: criteria provided, single submitter. Criteria: GeneDx Variant Classification Process June 2021. Collection method: clinical testing. Allele origin: germline. Affected: yes.
Comment: In silico analysis supports that this missense variant does not alter protein structure/function; Has not been previously published as pathogenic or benign to our knowledge

PreventionGenetics, part of Exact Sciences
Classification: Likely benign for MYO7A-related condition. Last evaluated: 2022-04-06. Review status: no assertion criteria provided. Collection method: clinical testing. Allele origin: germline. Not counted in ClinVar's aggregate classification.
Comment: This variant is classified as likely benign based on ACMG/AMP sequence variant interpretation guidelines (Richards et al. 2015 PMID: 25741868, with internal and published modifications).

Natera, Inc.
Classification: Uncertain significance for Usher syndrome type 1B. Last evaluated: 2020-04-17. Review status: no assertion criteria provided. Collection method: clinical testing. Allele origin: germline. Not counted in ClinVar's aggregate classification.

NM_000260.4(MYO7A):c.5005G>A (p.Val1669Ile)

Gene: MYO7A (myosin VIIA; plus strand). Cytogenetic location: 11q13.5.
Variant type: single nucleotide variant.
Coding change: c.5005G>A on transcript NM_000260.4 (MANE Select); coding-DNA position 5005, G replaced by A.
Protein change: p.Val1669Ile; replaces valine 1669 with isoleucine.
Molecular consequence: missense variant.
Genome position (GRCh38, 1-based): chr11:77,201,600, G>A. VCF-style: chr11-77201600-G-A. GRCh37 (hg19) VCF-style: chr11-76912645-G-A.
Other names: c.4891G>A, p.Val1631Ile (NM_001127180.2); c.4858G>A, p.Val1620Ile (NM_001369365.1); short protein forms V1631I, V1669I, V1620I.
Identifiers: ClinVar variation 762896 (VCV000762896.18), dbSNP rs374655803, ClinGen allele CA6198588.
Genomic context (GRCh38, chr11:77,201,600, plus strand): 5'-GCCAACGGCATCAATGAGAGGACCAAGCAGCGTGGGGACTTCCCCACCGACAGTGTGTAC[G>A]TCATGCCCACTGTCACCATGCCACCGCGGGAGATTGTGGTATGTGGCCTGGGGGTGGCAG-3'
Protein context (NP_000251.3, residues 1659-1679): RGDFPTDSVY[Val1669Ile]MPTVTMPPRE